The following is an entry in ClinVar:

NM_001031689.3(PLAA):c.1377G>T (p.Met459Ile)

Gene: PLAA (phospholipase A2 activating protein; minus strand). Cytogenetic location: 9p21.2.
Variant type: single nucleotide variant.
Coding change: c.1377G>T on transcript NM_001031689.3 (MANE Select); coding-DNA position 1377, G replaced by T.
Protein change: p.Met459Ile; replaces methionine 459 with isoleucine.
Molecular consequence: missense variant.
Genome position (GRCh38, 1-based): chr9:26,919,350, C>A on the plus strand (G>T on the coding strand, the complement: PLAA is on the minus strand). VCF-style: chr9-26919350-C-A. GRCh37 (hg19) VCF-style: chr9-26919348-C-A.
Other names: c.1377G>T, p.Met459Ile (NM_001321546.2); short protein forms M459I.
Identifiers: ClinVar variation 1928659 (VCV001928659.3), dbSNP rs1426318569, ClinGen allele CA373131566.

ClinVar aggregate classification (germline): Uncertain significance (1 of 4 stars; one submission).

Allele frequency attached by ClinVar (database versions not stated): TOPMed below 0.00001.
gnomAD v4.1: 3 of 1,612,112 alleles (0.00019%); highest among the groups gnomAD compares: Non-Finnish European, 0.00017%; no homozygotes.

Submission:

Labcorp Genetics (formerly Invitae), Labcorp
Classification: Uncertain significance. Last evaluated: 2022-10-05. Review status: criteria provided, single submitter. Criteria: Invitae Variant Classification Sherloc (09022015). Collection method: clinical testing. Allele origin: germline.
Comment: This sequence change replaces methionine, which is neutral and non-polar, with isoleucine, which is neutral and non-polar, at codon 459 of the PLAA protein (p.Met459Ile). This variant is present in population databases (no rsID available, gnomAD 0.0009%). In summary, the available evidence is currently insufficient to determine the role of this variant in disease. Therefore, it has been classified as a Variant of Uncertain Significance. Advanced modeling of protein sequence and biophysical properties (such as structural, functional, and spatial information, amino acid conservation, physicochemical variation, residue mobility, and thermodynamic stability) performed at Invitae indicates that this missense variant is not expected to disrupt PLAA protein function. This variant has not been reported in the literature in individuals affected with PLAA-related conditions.